The following is an entry in ClinVar:

NM_006231.4(POLE):c.983A>G (p.Tyr328Cys)

Gene: POLE (DNA polymerase epsilon, catalytic subunit; minus strand). Cytogenetic location: 12q24.33.
Variant type: single nucleotide variant.
Coding change: c.983A>G on transcript NM_006231.4 (MANE Select); coding-DNA position 983, A replaced by G.
Protein change: p.Tyr328Cys; replaces tyrosine 328 with cysteine.
Molecular consequence: missense variant.
Genome position (GRCh38, 1-based): chr12:132,676,131, T>C on the plus strand (A>G on the coding strand, the complement: POLE is on the minus strand). VCF-style: chr12-132676131-T-C. GRCh37 (hg19) VCF-style: chr12-133252717-T-C.
Other names: short protein forms Y328C.
Identifiers: ClinVar variation 473847 (VCV000473847.17), dbSNP rs1339375099, ClinGen allele CA387363626.

ClinVar aggregate classification (germline): Uncertain significance. Review status: criteria provided, multiple submitters, no conflicts (2 of 4 stars). 4 submissions from 4 submitters: Uncertain significance (4). Last evaluated 2026-01-20.

Conditions:
Hereditary cancer-predisposing syndrome. Also called: Neoplastic Syndromes, Hereditary; Tumor predisposition; Hereditary neoplastic syndrome; Hereditary Cancer Syndrome. Identifiers: Orphanet 140162, MedGen C0027672, MeSH D009386, MONDO:0015356.

Allele frequency attached by ClinVar (database versions not stated): gnomAD exomes below 0.00001; TOPMed 0.00001; gnomAD 0.00001.
gnomAD v4.1: 4 of 1,612,246 alleles (0.00025%); highest among the groups gnomAD compares: Non-Finnish European, 0.00034%; no homozygotes.

Submissions (4):

Labcorp Genetics (formerly Invitae), Labcorp
Classification: Uncertain significance. Last evaluated: 2026-01-20. Review status: criteria provided, single submitter. Criteria: Invitae Variant Classification Sherloc (09022015). Collection method: clinical testing. Allele origin: germline.
Comment: This sequence change replaces tyrosine, which is neutral and polar, with cysteine, which is neutral and slightly polar, at codon 328 of the POLE protein (p.Tyr328Cys). This variant is not present in population databases (gnomAD no frequency). This variant has not been reported in the literature in individuals affected with POLE-related conditions. ClinVar contains an entry for this variant (Variation ID: 473847). Invitae Evidence Modeling of protein sequence and biophysical properties (such as structural, functional, and spatial information, amino acid conservation, physicochemical variation, residue mobility, and thermodynamic stability) indicates that this missense variant is expected to disrupt POLE protein function with a positive predictive value of 80%. In summary, the available evidence is currently insufficient to determine the role of this variant in disease. Therefore, it has been classified as a Variant of Uncertain Significance.

Ambry Genetics
Classification: Uncertain significance for Hereditary cancer-predisposing syndrome. Last evaluated: 2026-01-08. Review status: criteria provided, single submitter. Criteria: Ambry Variant Classification Scheme 2023. Collection method: clinical testing. Allele origin: germline.
Comment: The p.Y328C variant (also known as c.983A>G), located in coding exon 10 of the POLE gene, results from an A to G substitution at nucleotide position 983. The tyrosine at codon 328 is replaced by cysteine, an amino acid with highly dissimilar properties. This amino acid position is highly conserved in available vertebrate species. In addition, the in silico prediction for this alteration is inconclusive. Based on the available evidence, the clinical significance of this variant remains unclear.

GeneDx
Classification: Uncertain significance. Last evaluated: 2023-01-24. Review status: criteria provided, single submitter. Criteria: GeneDx Variant Classification Process June 2021. Collection method: clinical testing. Allele origin: germline. Affected: yes.
Comment: Not observed in large population cohorts (gnomAD); In silico analysis supports that this missense variant has a deleterious effect on protein structure/function; Has not been previously published as pathogenic or benign to our knowledge; This variant is associated with the following publications: (PMID: 20951805)

Quest Diagnostics Nichols Institute San Juan Capistrano
Classification: Uncertain significance. Last evaluated: 2020-07-30. Review status: criteria provided, single submitter. Criteria: Quest Diagnostics criteria. Collection method: clinical testing. Allele origin: unknown.